The following is an entry in ClinVar:

NM_024666.5(AAGAB):c.29T>A (p.Val10Asp)

Genes: AAGAB (alpha and gamma adaptin binding protein; minus strand), LOC130057363 (ATAC-STARR-seq lymphoblastoid active region 9628; plus strand). Cytogenetic location: 15q23.
Variant type: single nucleotide variant.
Coding change: c.29T>A on transcript NM_024666.5 (MANE Select); coding-DNA position 29, T replaced by A.
Protein change: p.Val10Asp; replaces valine 10 with aspartic acid.
Molecular consequence: missense variant. On other transcripts: 5 prime UTR variant (1), intron variant (1).
Genome position (GRCh38, 1-based): chr15:67,254,603, A>T on the plus strand (T>A on the coding strand, the complement: AAGAB is on the minus strand). VCF-style: chr15-67254603-A-T. GRCh37 (hg19) VCF-style: chr15-67546941-A-T.
Other names: c.-444T>A (NM_001271886.2); c.-255+534T>A (NM_001271885.2); short protein forms V10D.
Identifiers: ClinVar variation 1806821 (VCV001806821.1), dbSNP rs2505534856, ClinGen allele CA392955197.

ClinVar aggregate classification (germline): Uncertain significance (1 of 4 stars; one submission).

Submission:

GeneDx
Classification: Uncertain significance. Last evaluated: 2022-06-19. Review status: criteria provided, single submitter. Criteria: GeneDx Variant Classification Process June 2021. Collection method: clinical testing. Allele origin: germline. Affected: yes.
Comment: Has not been previously published as pathogenic or benign to our knowledge; Not observed at significant frequency in large population cohorts (gnomAD); In silico analysis supports that this missense variant has a deleterious effect on protein structure/function